The following is an entry in ClinVar:

ClinVar aggregate classification (germline): Likely pathogenic (1 of 4 stars; one submission).

Submission:

Dasa
Classification: Likely pathogenic. Last evaluated: 2026-02-26. Review status: criteria provided, single submitter. Criteria: DASA Assertion Criteria. Collection method: clinical testing. Allele origin: germline.
Comment: NM_021628.3(ALOXE3):c.1571C>G (p.Ser524*) is a nonsense variant in ALOXE3 predicted to introduce a premature termination codon and is predicted to result in an absent or altered protein product. Loss of function is an established disease mechanism for ALOXE3-associated disorders. Also, this variant is rare in population databases. Based on the currently available evidence, this variant is classified as likely pathogenic.

NM_021628.3(ALOXE3):c.1571C>G (p.Ser524Ter)

Gene: ALOXE3 (arachidonate epidermal lipoxygenase 3; minus strand). Cytogenetic location: 17p13.1.
Variant type: single nucleotide variant.
Coding change: c.1571C>G on transcript NM_021628.3 (MANE Select); coding-DNA position 1571, C replaced by G.
Protein change: p.Ser524Ter; replaces serine 524 with a stop codon.
Molecular consequence: nonsense.
Genome position (GRCh38, 1-based): chr17:8,108,581, G>C on the plus strand (C>G on the coding strand, the complement: ALOXE3 is on the minus strand). VCF-style: chr17-8108581-G-C. GRCh37 (hg19) VCF-style: chr17-8011899-G-C.
Other names: c.1967C>G, p.Ser656Ter (NM_001165960.1); c.1568C>G, p.Ser523Ter (NM_001369446.1); short protein forms S523*, S524*, S656*.
Identifiers: ClinVar variation 4884178 (VCV004884178.2).
Genomic context (GRCh38, chr17:8,108,581, plus strand): 5'-TGCAGCTCCGAATCCTGCTGCACAGATGCGTCACTGGGATAATAGTAGCCCACGATTTCT[G>C]AGACAAAGCTGCAGGAAAGAGATGCTGGTACCACTGGAGTAACCACGGGCTCAGTCCTGG-3'